The following is an entry in ClinVar:

NM_014249.4(NR2E3):c.723C>A (p.Phe241Leu)

Gene: NR2E3 (nuclear receptor subfamily 2 group E member 3; plus strand). Cytogenetic location: 15q23.
Variant type: single nucleotide variant.
Coding change: c.723C>A on transcript NM_014249.4 (MANE Select); coding-DNA position 723, C replaced by A.
Protein change: p.Phe241Leu; replaces phenylalanine 241 with leucine.
Molecular consequence: missense variant.
Genome position (GRCh38, 1-based): chr15:71,812,487, C>A. VCF-style: chr15-71812487-C-A. GRCh37 (hg19) VCF-style: chr15-72104827-C-A.
Other names: c.723C>A, p.Phe241Leu (NM_016346.4); short protein forms F241L.
Identifiers: ClinVar variation 5003596 (VCV005003596.1).

ClinVar aggregate classification (germline): Uncertain significance (1 of 4 stars; one submission).

Conditions:
ENHANCED S-CONE SYNDROME 1 (ESCS1). Also called: RETINOSCHISIS WITH EARLY HEMERALOPIA; FAVRE HYALOIDEORETINAL DEGENERATION. Identifiers: MedGen CN380299, OMIM 268100.

Submission:

Myriad Genetics, Inc.
Classification: Uncertain significance for ENHANCED S-CONE SYNDROME 1. Last evaluated: 2025-08-18. Review status: criteria provided, single submitter. Criteria: Myriad Autosomal Dominant, Autosomal Recessive and X-Linked Classification Criteria (2023). Collection method: clinical testing. Allele origin: unknown.
Comment: NM_014249.2(NR2E3):c.723C>A(F241L) is a missense variant classified as a variant of uncertain significance in the context of enhanced S-cone syndrome. F241L has not been observed in cases with relevant disease. Relevant functional assessments of this variant are not available in the literature. F241L has not been observed in referenced population frequency databases. In summary, there is insufficient evidence to classify NM_014249.2(NR2E3):c.723C>A(F241L) as pathogenic or benign. Please note: this variant was assessed in the context of healthy population screening.